The following is an entry in ClinVar:

ClinVar aggregate classification (germline): Uncertain significance (1 of 4 stars; one submission).

Submission:

Women's Health and Genetics/Laboratory Corporation of America, LabCorp
Classification: Uncertain significance. Last evaluated: 2025-11-07. Review status: criteria provided, single submitter. Criteria: LabCorp Variant Classification Summary - May 2015. Collection method: clinical testing. Allele origin: germline.
Comment: Variant summary: ATM c.2390A>G (p.Lys797Arg) results in a conservative amino acid change in the encoded protein sequence. Algorithms developed to predict the effect of missense changes on protein structure and function all suggest that this variant is likely to be tolerated. The variant was absent in 251224 control chromosomes. The available data on variant occurrences in the general population are insufficient to allow any conclusion about variant significance. To our knowledge, no occurrence of c.2390A>G in individuals affected with ATM-related conditions and no experimental evidence demonstrating its impact on protein function have been reported. No submitters have cited clinical-significance assessments for this variant to ClinVar. Based on the evidence outlined above, the variant was classified as uncertain significance.

NM_000051.4(ATM):c.2390A>G (p.Lys797Arg)

Gene: ATM (ATM serine/threonine kinase; plus strand). Cytogenetic location: 11q22.3.
Variant type: single nucleotide variant.
Coding change: c.2390A>G on transcript NM_000051.4 (MANE Select); coding-DNA position 2390, A replaced by G.
Protein change: p.Lys797Arg; replaces lysine 797 with arginine.
Molecular consequence: missense variant.
Genome position (GRCh38, 1-based): chr11:108,258,999, A>G. VCF-style: chr11-108258999-A-G. GRCh37 (hg19) VCF-style: chr11-108129726-A-G.
Other names: c.2390A>G, p.Lys797Arg (NM_001351834.2); short protein forms K797R.
Identifiers: ClinVar variation 4536984 (VCV004536984.1).